The following is an entry in ClinVar:

NM_007186.6(CEP250):c.6957G>C (p.Gln2319His)

Gene: CEP250 (centrosomal protein 250; plus strand). Cytogenetic location: 20q11.22.
Variant type: single nucleotide variant.
Coding change: c.6957G>C on transcript NM_007186.6 (MANE Select); coding-DNA position 6957, G replaced by C.
Protein change: p.Gln2319His; replaces glutamine 2319 with histidine.
Molecular consequence: missense variant.
Genome position (GRCh38, 1-based): chr20:35,508,993, G>C. VCF-style: chr20-35508993-G-C. GRCh37 (hg19) VCF-style: chr20-34096822-G-C.
Other names: c.5061G>C, p.Gln1687His (NM_001318219.1); short protein forms Q1687H, Q2319H.
Identifiers: ClinVar variation 843743 (VCV000843743.10), dbSNP rs201729351, ClinGen allele CA9834198.

ClinVar aggregate classification (germline): Uncertain significance (1 of 4 stars; one submission).

Allele frequency attached by ClinVar (database versions not stated): gnomAD exomes 0.00001 and below 0.00001; TOPMed 0.00002; ExAC 0.00005; 1000 Genomes Project 30x 0.00031; gnomAD 0.00001; 1000 Genomes Project 0.00040.
gnomAD v4.1: 3 of 1,559,256 alleles (0.00019%); highest among the groups gnomAD compares: African/African-American, 0.0027%; no homozygotes.

Submission:

Labcorp Genetics (formerly Invitae), Labcorp
Classification: Uncertain significance. Last evaluated: 2024-08-01. Review status: criteria provided, single submitter. Criteria: Invitae Variant Classification Sherloc (09022015). Collection method: clinical testing. Allele origin: germline.
Comment: This sequence change replaces glutamine, which is neutral and polar, with histidine, which is basic and polar, at codon 2319 of the CEP250 protein (p.Gln2319His). This variant is not present in population databases (gnomAD no frequency). This variant has not been reported in the literature in individuals affected with CEP250-related conditions. ClinVar contains an entry for this variant (Variation ID: 843743). An algorithm developed to predict the effect of missense changes on protein structure and function (PolyPhen-2) suggests that this variant is likely to be tolerated. In summary, the available evidence is currently insufficient to determine the role of this variant in disease. Therefore, it has been classified as a Variant of Uncertain Significance.